The following is an entry in ClinVar:

NM_001330700.2(TOP2B):c.3373C>G (p.Gln1125Glu)

Gene: TOP2B (DNA topoisomerase II beta; minus strand). Cytogenetic location: 3p24.2.
Variant type: single nucleotide variant.
Coding change: c.3373C>G on transcript NM_001330700.2 (MANE Select); coding-DNA position 3373, C replaced by G.
Protein change: p.Gln1125Glu; replaces glutamine 1125 with glutamic acid.
Molecular consequence: missense variant.
Genome position (GRCh38, 1-based): chr3:25,615,565, G>C on the plus strand (C>G on the coding strand, the complement: TOP2B is on the minus strand). VCF-style: chr3-25615565-G-C. GRCh37 (hg19) VCF-style: chr3-25657056-G-C.
Other names: c.3358C>G, p.Gln1120Glu (NM_001068.3); short protein forms Q1120E, Q1125E.
Identifiers: ClinVar variation 1938569 (VCV001938569.5), dbSNP rs867663436, ClinGen allele CA351895954.
Genomic context (GRCh38, chr3:25,615,565, plus strand): 5'-AATTAAAATCTGGGCCTGAAGGAGTTCCTGAATCGGAGGAACTATCATCATGCTGGTTTT[G>C]TGTTTCATCCTCTTCTGCTGCCTGTAAAAAATAACAAACTGTATATTAAAGTCTTGTATA-3'
Protein context (NP_001317629.1, residues 1115-1135): QEKAAEEDET[Gln1125Glu]NQHDDSSSDS

ClinVar aggregate classification (germline): Uncertain significance (1 of 4 stars; one submission).

Allele frequency attached by ClinVar (database versions not stated): gnomAD exomes below 0.00001.
gnomAD v4.1: 1 of 1,565,000 alleles (0.000064%); highest among the groups gnomAD compares: Non-Finnish European, 0.000086%; no homozygotes.

Submission:

Labcorp Genetics (formerly Invitae), Labcorp
Classification: Uncertain significance. Last evaluated: 2021-12-30. Review status: criteria provided, single submitter. Criteria: Invitae Variant Classification Sherloc (09022015). Collection method: clinical testing. Allele origin: germline.
Comment: In summary, the available evidence is currently insufficient to determine the role of this variant in disease. Therefore, it has been classified as a Variant of Uncertain Significance. Algorithms developed to predict the effect of missense changes on protein structure and function (SIFT, PolyPhen-2, Align-GVGD) all suggest that this variant is likely to be tolerated. This variant has not been reported in the literature in individuals affected with TOP2B-related conditions. This variant is not present in population databases (gnomAD no frequency). This sequence change replaces glutamine, which is neutral and polar, with glutamic acid, which is acidic and polar, at codon 1120 of the TOP2B protein (p.Gln1120Glu).